The following is an entry in ClinVar:

NM_001658.4(ARF1):c.379A>G (p.Lys127Glu)

Genes: ARF1 (ARF GTPase 1; plus strand), LOC126806039 (CDK7 strongly-dependent group 2 enhancer GRCh37_chr1:228284937-228286136; plus strand). Cytogenetic location: 1q42.13.
Variant type: single nucleotide variant.
Coding change: c.379A>G on transcript NM_001658.4 (MANE Select); coding-DNA position 379, A replaced by G.
Protein change: p.Lys127Glu; replaces lysine 127 with glutamic acid.
Molecular consequence: missense variant.
Genome position (GRCh38, 1-based): chr1:228,097,710, A>G. VCF-style: chr1-228097710-A-G. GRCh37 (hg19) VCF-style: chr1-228285411-A-G.
Other names: c.379A>G, p.Lys127Glu (NM_001024226.2, NM_001024227.1, NM_001024228.2); short protein forms K127E.
Identifiers: ClinVar variation 590333 (VCV000590333.2), dbSNP rs1558087795, ClinGen allele CA345079416.

ClinVar aggregate classification (germline): Pathogenic. Review status: criteria provided, single submitter (1 of 4 stars). 2 submissions from 2 submitters: Pathogenic (1). 1 of the submissions does not count toward it. Last evaluated 2022-03-12.

Conditions:
Periventricular nodular heterotopia 8. Identifiers: MedGen C4748602, MONDO:0032588, OMIM 618185.

Submissions (2):

Groupe Hospitalier Pitie Salpetriere, Uf Genomique Du Developpement, Assistance Publique Hopitaux de Paris Sorbonne Université
Classification: Pathogenic for Periventricular nodular heterotopia 8. Last evaluated: 2022-03-12. Review status: criteria provided, single submitter. Criteria: ACMG Guidelines, 2015. Collection method: clinical testing. Allele origin: de novo. Affected: yes.
Comment: PS1, PS2, PS3, PM2, PP3

OMIM
Classification: Pathogenic for PERIVENTRICULAR NODULAR HETEROTOPIA 8. Last evaluated: 2018-11-13. Review status: no assertion criteria provided. Collection method: literature only. Allele origin: germline. Not counted in ClinVar's aggregate classification.

Literature cited by the submitters: PubMed 28868155 (cited by OMIM).